The following is an entry in ClinVar:

NM_004714.3(DYRK1B):c.619del (p.Arg207fs)

Gene: DYRK1B (dual specificity tyrosine phosphorylation regulated kinase 1B; minus strand). Cytogenetic location: 19q13.2.
Variant type: Deletion.
Coding change: c.619del on transcript NM_004714.3 (MANE Select); coding-DNA position 619, one base deleted (C; older notation c.619delC).
Protein change: p.Arg207fs; shifts the reading frame from arginine 207.
Molecular consequence: frameshift variant.
Genome position (GRCh38, 1-based): chr19:39,828,485, G deleted on the plus strand (C on the coding strand, the reverse complement: DYRK1B is on the minus strand); the first of 2 consecutive G bases (chr19:39,828,485-39,828,486); deleting either gives the same sequence. VCF-style (leftmost placement, unchanged base first): chr19-39828484-CG-C. GRCh37 (hg19) VCF-style: chr19-40319124-CG-C.
Other names: c.619del, p.Arg207fs (NM_006483.3, NM_006484.3); short protein forms R207fs.
Identifiers: ClinVar variation 4999632 (VCV004999632.1).

ClinVar aggregate classification (germline): Uncertain significance (1 of 4 stars; one submission).

Conditions:
DYRK1B-related disorder. Also called: DYRK1B-related condition.

Submission:

PreventionGenetics, part of Exact Sciences
Classification: Uncertain significance for DYRK1B-related condition. Last evaluated: 2025-04-16. Review status: criteria provided, single submitter. Criteria: ACMG Guidelines, 2015. Collection method: clinical testing. Allele origin: germline.
Comment: The DYRK1B c.619delC variant is predicted to result in a frameshift and premature protein termination (p.Arg207Alafs*5). To our knowledge, this variant has not been reported in the literature or in a large population database (gnomAD), indicating this variant is rare. To date, a limited number of protein-truncating variants have been reported in this gene in association with disease (Human Gene Mutation Database). Although we suspect that this variant may be pathogenic, at this time, the clinical significance of this variant is uncertain due to the absence of conclusive functional and genetic evidence.